The following is an entry in ClinVar:

ClinVar aggregate classification (germline): Conflicting classifications of pathogenicity. Review status: criteria provided, conflicting classifications (1 of 4 stars). 2 submissions from 2 submitters: Uncertain significance (1); Likely benign (1). Last evaluated 2022-03-27.

Conditions:
Early-infantile DEE. Also called: Early infantile epileptic encephalopathy with suppression bursts; Early infantile epileptic encephalopathy; Ohtahara syndrome. Identifiers: Orphanet 1934, MedGen C0393706, MONDO:0800491.
Inborn genetic diseases. Identifiers: MedGen C0950123, MeSH D030342.

Allele frequency attached by ClinVar (database versions not stated): ExAC 0.00001; gnomAD 0.00001; gnomAD exomes 0.00001; TOPMed 0.00001.
gnomAD v4.1: 11 of 1,613,624 alleles (0.00068%); highest among the groups gnomAD compares: Admixed American, 0.0017%; no homozygotes.

Submissions (2):

Labcorp Genetics (formerly Invitae), Labcorp
Classification: Uncertain significance for Early-infantile DEE. Last evaluated: 2022-03-27. Review status: criteria provided, single submitter. Criteria: Invitae Variant Classification Sherloc (09022015). Collection method: clinical testing. Allele origin: germline.
Comment: In summary, the available evidence is currently insufficient to determine the role of this variant in disease. Therefore, it has been classified as a Variant of Uncertain Significance. Algorithms developed to predict the effect of sequence changes on RNA splicing suggest that this variant is not likely to affect RNA splicing. This variant has not been reported in the literature in individuals affected with SPTAN1-related conditions. This variant is present in population databases (rs778121117, gnomAD 0.003%). This sequence change affects codon 550 of the SPTAN1 mRNA. It is a 'silent' change, meaning that it does not change the encoded amino acid sequence of the SPTAN1 protein. It affects a nucleotide within the consensus splice site.

Ambry Genetics
Classification: Likely benign for Inborn genetic diseases. Last evaluated: 2018-03-13. Review status: criteria provided, single submitter. Criteria: Ambry Variant Classification Scheme 2023. Collection method: clinical testing. Allele origin: germline.

NM_001130438.3(SPTAN1):c.1650T>C (p.Ala550=)

Gene: SPTAN1 (spectrin alpha, non-erythrocytic 1; plus strand). Cytogenetic location: 9q34.11.
Variant type: single nucleotide variant.
Coding change: c.1650T>C on transcript NM_001130438.3 (MANE Select); coding-DNA position 1650, T replaced by C.
Protein change: p.Ala550=; no amino-acid change (alanine 550 retained).
Molecular consequence: synonymous variant.
Genome position (GRCh38, 1-based): chr9:128,582,556, T>C. VCF-style: chr9-128582556-T-C. GRCh37 (hg19) VCF-style: chr9-131344835-T-C.
Other names: c.1650T>C, p.Ala550= (NM_001195532.2, NM_001363759.2, NM_001363765.2 and 5 more transcripts); c.1686T>C, p.Ala562= (NM_001375312.2, NM_001375318.1).
Identifiers: ClinVar variation 1777257 (VCV001777257.7), dbSNP rs778121117, ClinGen allele CA5264459.
Genomic context (GRCh38, chr9:128,582,556, plus strand): 5'-AACCAAGCTAATTCAGAACAACCACTATGCAATGGAAGATGTGGCCACTCGCCGAGATGC[T>C]GTAAGTTTGTAGGTTCTTCATGCTCCTCCTTTTTGGTACATGAATGTCTCTTCTAAGATG-3'
Protein context (NP_001123910.1, residues 540-560): AMEDVATRRD[Ala550=]LLSRRNALHE